The following continues an entry in ClinVar:

NM_007294.4(BRCA1):c.547+2T>A

Gene: BRCA1. ClinVar aggregate classification (germline): Pathogenic. Pathogenic (1).

Submissions 9 to 18 of 18:

Sema4
Classification: Pathogenic for Hereditary cancer-predisposing syndrome. Last evaluated: 2022-02-28. Review status: criteria provided, single submitter. Criteria: Sema4 Curation Guidelines. Collection method: curation. Allele origin: germline. Not counted in ClinVar's aggregate classification.
Comment: The BRCA1 c.547+2T>A variant has been observed in numerous individuals with hereditary breast and/or ovarian cancer (PMID: 9333265, 25556971, 25452441, 30606148). This variant is also known as IVS8+2T>A in the literature. Experimental studies have shown that this variant results in aberrant splicing including in the skipping of exon 7, designated as exon 8 in the literature, which will produce an out-of-frame transcript with a predicted premature stop codon (PMID: 10479726, 22505045, 23451180, 24667779). This variant is not reported in the population database Genome Aggregation Database (PMID: 32461654). The variant has been reported in ClinVar (Variation ID: 37674). Based on the current evidence available, this variant is interpreted as pathogenic.

CHEO Genetics Diagnostic Laboratory, Children's Hospital of Eastern Ontario
Classification: Pathogenic for Breast and/or ovarian cancer. Last evaluated: 2022-02-23. Review status: criteria provided, single submitter. Criteria: ACMG Guidelines, 2015. Collection method: clinical testing. Allele origin: germline. Not counted in ClinVar's aggregate classification.

MGZ Medical Genetics Center
Classification: Pathogenic for Breast-ovarian cancer, familial, susceptibility to, 1. Last evaluated: 2022-02-10. Review status: criteria provided, single submitter. Criteria: ACMG Guidelines, 2015. Collection method: clinical testing. Allele origin: germline. Affected: yes. Observed: 1 variant allele. Not counted in ClinVar's aggregate classification.
Comment: ACMG criteria applied: PVS1, PS3, PS4_MOD, PM2_SUP

GeneDx
Classification: Pathogenic. Last evaluated: 2020-08-03. Review status: criteria provided, single submitter. Criteria: GeneDx Variant Classification Process June 2021. Collection method: clinical testing. Allele origin: germline. Affected: yes. Not counted in ClinVar's aggregate classification.
Comment: Canonical splice site variant resulting in a null allele in a gene for which loss-of-function is a known mechanism of disease (Houdayer 2012, Colombo 2013, Steffensen 2014); Observed in multiple individuals with a personal and/or family history of breast and/or ovarian cancer (Shattuck-Eidens 1997, Turner 1999, Smith 2000, Grushko 2004, Johnston 2012, Colombo 2013); Truncating variants in this gene are considered pathogenic by a well-established clinical consortium and/or database; Not observed in large population cohorts (Lek 2016); Also known as c.666+2T>A or IVS8+2T>A; This variant is associated with the following publications: (PMID: 23940062, 9333265, 25556971, 23451180, 28423363, 27328445, 29346284, 30606148, 22703879, 26046366, 25525159, 22505045, 10479726, 24667779, 14760071, 10506595, 17284709, 11121624, 27600092, 29446198, 33287145)

Consortium of Investigators of Modifiers of BRCA1/2 (CIMBA), c/o University of Cambridge
Classification: Pathogenic for Breast-ovarian cancer, familial, susceptibility to, 1. Last evaluated: 2015-10-02. Review status: criteria provided, single submitter. Criteria: CIMBA Mutation Classification guidelines May 2016. Collection method: clinical testing. Allele origin: germline. Not counted in ClinVar's aggregate classification.

Counsyl
Classification: Pathogenic for Breast-ovarian cancer, familial, susceptibility to, 1. Last evaluated: 2017-11-27. Review status: no assertion criteria provided. Collection method: clinical testing. Allele origin: unknown. Not counted in ClinVar's aggregate classification.

Research Molecular Genetics Laboratory, Women's College Hospital, University of Toronto
Classification: Pathogenic for Hereditary breast ovarian cancer syndrome. Last evaluated: 2014-01-31. Review status: no assertion criteria provided. Collection method: research. Allele origin: germline. Affected: yes. Study: The Canadian Open Genetics Repository (COGR). Not counted in ClinVar's aggregate classification.

Biesecker Lab/Clinical Genomics Section, National Institutes of Health
Classification: Pathogenic for Breast-ovarian cancer, familial. Last evaluated: 2012-07-13. Review status: no assertion criteria provided. Collection method: research. Allele origin: germline. Affected: no. Observed: 1 variant allele, 1 heterozygote. Study: ClinSeq. Not counted in ClinVar's aggregate classification.
ClinVar note: Converted during submission from pathogenic to Pathogenic.

Sharing Clinical Reports Project (SCRP)
Classification: Pathogenic for Breast-ovarian cancer, familial 1. Last evaluated: 2012-05-01. Review status: no assertion criteria provided. Collection method: clinical testing. Allele origin: germline. Not counted in ClinVar's aggregate classification.

Breast Cancer Information Core (BIC) (BRCA1)
Classification: Pathogenic for Breast-ovarian cancer, familial 1. Last evaluated: 2002-05-29. Review status: no assertion criteria provided. Collection method: clinical testing. Allele origin: germline. Affected: yes. Observed: 13 variant alleles. Not counted in ClinVar's aggregate classification.

Literature cited by the submitters: PubMed 23451180 (cited by 7 submitters); PubMed 24667779 (cited by 6 submitters); PubMed 9333265 (cited by 7 submitters); PubMed 23940062 (cited by 3 submitters); PubMed 25556971 (cited by 5 submitters); PubMed 25452441 (cited by 4 submitters); PubMed 30606148 (cited by 4 submitters); PubMed 22505045 (cited by 5 submitters); PubMed 10479726 (cited by 4 submitters); PubMed 26295337 (cited by Quest Diagnostics Nichols Institute San Juan Capistrano); PubMed 27328445 (cited by Color Diagnostics, LLC DBA Color Health and Ambry Genetics); PubMed 28423363 (cited by Color Diagnostics, LLC DBA Color Health and Ambry Genetics); PubMed 30128899 (cited by 3 submitters); PubMed 26046366 (cited by Ambry Genetics); PubMed 31131967 (cited by Ambry Genetics).